The following is an entry in ClinVar:

NM_001127453.2(GSDME):c.1383A>T (p.Arg461Ser)

Gene: GSDME (gasdermin E; minus strand). Cytogenetic location: 7p15.3.
Variant type: single nucleotide variant.
Coding change: c.1383A>T on transcript NM_001127453.2 (MANE Select); coding-DNA position 1383, A replaced by T.
Protein change: p.Arg461Ser; replaces arginine 461 with serine.
Molecular consequence: missense variant.
Genome position (GRCh38, 1-based): chr7:24,699,134, T>A on the plus strand (A>T on the coding strand, the complement: GSDME is on the minus strand). VCF-style: chr7-24699134-T-A. GRCh37 (hg19) VCF-style: chr7-24738753-T-A.
Other names: c.891A>T, p.Arg297Ser (NM_001127454.2); c.1383A>T, p.Arg461Ser (NM_004403.3); short protein forms R297S, R461S.
Identifiers: ClinVar variation 4072718 (VCV004072718.1).

ClinVar aggregate classification (germline): Uncertain significance (1 of 4 stars; one submission).

gnomAD v4.1: 5 of 1,614,086 alleles (0.00031%); highest among the groups gnomAD compares: Non-Finnish European, 0.00042%; no homozygotes.

Submission:

GeneDx
Classification: Uncertain significance. Last evaluated: 2025-02-03. Review status: criteria provided, single submitter. Criteria: GeneDx Variant Classification Process June 2021. Collection method: clinical testing. Allele origin: germline. Affected: yes.
Comment: Not observed at significant frequency in large population cohorts (gnomAD); In silico analysis indicates that this missense variant does not alter protein structure/function; Has not been previously published as pathogenic or benign to our knowledge